The following is an entry in ClinVar:

NM_001012759.3(CTU2):c.109G>C (p.Val37Leu)

Gene: CTU2 (cytosolic thiouridylase subunit 2; plus strand). Cytogenetic location: 16q24.3.
Variant type: single nucleotide variant.
Coding change: c.109G>C on transcript NM_001012759.3 (MANE Select); coding-DNA position 109, G replaced by C.
Protein change: p.Val37Leu; replaces valine 37 with leucine.
Molecular consequence: missense variant. On other transcripts: 5 prime UTR variant (1).
Genome position (GRCh38, 1-based): chr16:88,707,176, G>C. VCF-style: chr16-88707176-G-C. GRCh37 (hg19) VCF-style: chr16-88773584-G-C.
Other names: c.109G>C, p.Val37Leu (NM_001012762.3, NM_001318507.2); c.-74G>C (NM_001318513.2); short protein forms V37L.
Identifiers: ClinVar variation 2345114 (VCV002345114.4), dbSNP rs189839353, ClinGen allele CA8230004.

ClinVar aggregate classification (germline): Uncertain significance. Review status: criteria provided, multiple submitters, no conflicts (2 of 4 stars). 2 submissions from 2 submitters: Uncertain significance (2). Last evaluated 2025-11-10.

Allele frequency attached by ClinVar (database versions not stated): ExAC 0.00006; TOPMed 0.00008; gnomAD 0.00009; ESP Exome Variant Server 0.00015; 1000 Genomes Project 0.00020; 1000 Genomes Project 30x 0.00031.

Submissions (2):

Labcorp Genetics (formerly Invitae), Labcorp
Classification: Uncertain significance. Last evaluated: 2025-11-10. Review status: criteria provided, single submitter. Criteria: Invitae Variant Classification Sherloc (09022015). Collection method: clinical testing. Allele origin: germline.
Comment: This sequence change replaces valine, which is neutral and non-polar, with leucine, which is neutral and non-polar, at codon 37 of the CTU2 protein (p.Val37Leu). This variant is present in population databases (rs189839353, gnomAD 0.01%). This variant has not been reported in the literature in individuals affected with CTU2-related conditions. ClinVar contains an entry for this variant (Variation ID: 2345114). Invitae Evidence Modeling of protein sequence and biophysical properties (such as structural, functional, and spatial information, amino acid conservation, physicochemical variation, residue mobility, and thermodynamic stability) indicates that this missense variant is not expected to disrupt CTU2 protein function with a negative predictive value of 80%. In summary, the available evidence is currently insufficient to determine the role of this variant in disease. Therefore, it has been classified as a Variant of Uncertain Significance.

Ambry Genetics
Classification: Uncertain significance. Last evaluated: 2024-07-26. Review status: criteria provided, single submitter. Criteria: Ambry Variant Classification Scheme 2023. Collection method: clinical testing. Allele origin: germline.